The following is an entry in ClinVar:

NM_001367624.2(ZNF469):c.11216G>A (p.Arg3739His)

Gene: ZNF469 (zinc finger protein 469; plus strand). Cytogenetic location: 16q24.2.
Variant type: single nucleotide variant.
Coding change: c.11216G>A on transcript NM_001367624.2 (MANE Select); coding-DNA position 11216, G replaced by A.
Protein change: p.Arg3739His; replaces arginine 3739 with histidine.
Molecular consequence: missense variant.
Genome position (GRCh38, 1-based): chr16:88,438,686, G>A. VCF-style: chr16-88438686-G-A. GRCh37 (hg19) VCF-style: chr16-88505094-G-A.
Other names: NM_001127464.1:c.11132G>A; short protein forms R3739H.
Identifiers: ClinVar variation 1499860 (VCV001499860.10), dbSNP rs958618412, ClinGen allele CA286387730.

ClinVar aggregate classification (germline): Conflicting classifications of pathogenicity. Review status: criteria provided, conflicting classifications (1 of 4 stars). 3 submissions from 3 submitters: Uncertain significance (2); Likely benign (1). Last evaluated 2025-06-30.

Conditions:
Cardiovascular phenotype. Identifiers: MedGen CN230736.

Allele frequency attached by ClinVar (database versions not stated): gnomAD 0.00004 and 0.00003; gnomAD exomes 0.00004 and 0.00006.
gnomAD v4.1: 62 of 1,549,856 alleles (0.004%); highest among the groups gnomAD compares: East Asian, 0.029%; no homozygotes.

Submissions (3):

Women's Health and Genetics/Laboratory Corporation of America, LabCorp
Classification: Uncertain significance. Last evaluated: 2025-06-30. Review status: criteria provided, single submitter. Criteria: LabCorp Variant Classification Summary - May 2015. Collection method: clinical testing. Allele origin: germline.
Comment: Variant summary: ZNF469 c.11216G>A (p.Arg3739His) results in a non-conservative amino acid change in the encoded protein sequence. Algorithms developed to predict the effect of missense changes on protein structure and function are either unavailable or do not agree on the potential impact of this missense change. The variant allele was found at a frequency of 6.1e-05 in 148048 control chromosomes (gnomAD). The available data on variant occurrences in the general population are insufficient to allow any conclusion about variant significance. To our knowledge, no occurrence of c.11216G>A in individuals affected with Brittle cornea syndrome 1 and no experimental evidence demonstrating its impact on protein function have been reported. ClinVar contains an entry for this variant (Variation ID: 1499860). Based on the evidence outlined above, the variant was classified as uncertain significance.

Ambry Genetics
Classification: Likely benign for Cardiovascular phenotype. Last evaluated: 2025-03-31. Review status: criteria provided, single submitter. Criteria: Ambry Variant Classification Scheme 2023. Collection method: clinical testing. Allele origin: germline.

Labcorp Genetics (formerly Invitae), Labcorp
Classification: Uncertain significance. Last evaluated: 2024-12-17. Review status: criteria provided, single submitter. Criteria: Invitae Variant Classification Sherloc (09022015). Collection method: clinical testing. Allele origin: germline.
Comment: This sequence change replaces arginine, which is basic and polar, with histidine, which is basic and polar, at codon 3711 of the ZNF469 protein (p.Arg3711His). The frequency data for this variant in the population databases is considered unreliable, as metrics indicate poor data quality at this position in the gnomAD database. This variant has not been reported in the literature in individuals affected with ZNF469-related conditions. ClinVar contains an entry for this variant (Variation ID: 1499860). An algorithm developed to predict the effect of missense changes on protein structure and function outputs the following: PolyPhen-2: "Benign". The histidine amino acid residue is found in multiple mammalian species, which suggests that this missense change does not adversely affect protein function. In summary, the available evidence is currently insufficient to determine the role of this variant in disease. Therefore, it has been classified as a Variant of Uncertain Significance.